The following is an entry in ClinVar:

ClinVar aggregate classification (germline): Uncertain significance (1 of 4 stars; one submission).

Conditions:
Hereditary cancer-predisposing syndrome. Also called: Neoplastic Syndromes, Hereditary; Tumor predisposition; Hereditary Cancer Syndrome; Hereditary neoplastic syndrome. Identifiers: Orphanet 140162, MedGen C0027672, MeSH D009386, MONDO:0015356.

Submission:

Ambry Genetics
Classification: Uncertain significance for Hereditary cancer-predisposing syndrome. Last evaluated: 2018-06-21. Review status: criteria provided, single submitter. Criteria: Ambry Variant Classification Scheme 2023. Collection method: clinical testing. Allele origin: germline.
Comment: The p.H98Q variant (also known as c.294C>G), located in coding exon 2 of the CDKN2A gene, results from a C to G substitution at nucleotide position 294. The histidine at codon 98 is replaced by glutamine, an amino acid with highly similar properties. This amino acid position is well conserved in available vertebrate species. In addition, the in silico prediction for this alteration is inconclusive. Since supporting evidence is limited at this time, the clinical significance of this alteration remains unclear.

NM_000077.5(CDKN2A):c.294C>G (p.His98Gln)

Gene: CDKN2A (cyclin dependent kinase inhibitor 2A; minus strand). Cytogenetic location: 9p21.3.
Variant type: single nucleotide variant.
Coding change: c.294C>G on transcript NM_000077.5; coding-DNA position 294, C replaced by G.
Protein change: p.His98Gln; replaces histidine 98 with glutamine.
Molecular consequence: missense variant (on NM_000077.6). On other transcripts: 3 prime UTR variant (1).
Genome position (GRCh38, 1-based): chr9:21,971,065, G>C on the plus strand (C>G on the coding strand, the complement: CDKN2A is on the minus strand). VCF-style: chr9-21971065-G-C. GRCh37 (hg19) VCF-style: chr9-21971064-G-C.
Other names: c.294C>G, p.His98Gln (NM_000077.6, NM_001195132.2); c.141C>G, p.His47Gln (NM_001363763.2); c.337C>G, p.Pro113Ala (NM_058195.4); c.*217C>G (NM_058197.5); short protein forms H47Q, H98Q, P113A.
Identifiers: ClinVar variation 822346 (VCV000822346.4), dbSNP rs752685118, ClinGen allele CA373086119.